The following is an entry in ClinVar:

ClinVar aggregate classification (germline): Likely benign. Review status: criteria provided, single submitter (1 of 4 stars). 2 submissions from 2 submitters: Likely benign (1). 1 of the submissions does not count toward it. Last evaluated 2024-04-11.

Conditions:
GLI2-related disorder. Also called: GLI2-related disorders; GLI2-related condition.

Allele frequency attached by ClinVar (database versions not stated): ExAC 0.00003; gnomAD 0.00003; gnomAD exomes 0.00004; TOPMed 0.00004; 1000 Genomes Project 30x 0.00016; 1000 Genomes Project 0.00020.
gnomAD v4.1: 56 of 1,613,126 alleles (0.0035%); highest among the groups gnomAD compares: Admixed American, 0.017%; no homozygotes.

Submissions (2):

Women's Health and Genetics/Laboratory Corporation of America, LabCorp
Classification: Likely benign. Last evaluated: 2024-04-11. Review status: criteria provided, single submitter. Criteria: LabCorp Variant Classification Summary - May 2015. Collection method: clinical testing. Allele origin: germline.
Comment: Variant summary: GLI2 c.1974C>T alters a non-conserved nucleotide resulting in a synonymous change. Consensus agreement among computation tools predict no significant impact on normal splicing. However, these predictions have yet to be confirmed by functional studies. The variant allele was found at a frequency of 3.7e-05 in 246048 control chromosomes (gnomAD). The available data on variant occurrences in the general population are insufficient to allow any conclusion about variant significance. c.1974C>T has been reported in the literature in a study of de novo variants that occur in developmental disorders without strong evidence of causality (Kaplanis_2020). This report does not provide unequivocal conclusions about association of the variant with GLI2-Related Disorders. To our knowledge, no experimental evidence demonstrating an impact on protein function has been reported. The following publication has been ascertained in the context of this evaluation (PMID: 33057194). ClinVar contains an entry for this variant (Variation ID: 3032588). Based on the evidence outlined above, the variant was classified as likely benign.

PreventionGenetics, part of Exact Sciences
Classification: Likely benign for GLI2-related condition. Last evaluated: 2022-01-31. Review status: no assertion criteria provided. Collection method: clinical testing. Allele origin: germline. Not counted in ClinVar's aggregate classification.
Comment: This variant is classified as likely benign based on ACMG/AMP sequence variant interpretation guidelines (Richards et al. 2015 PMID: 25741868, with internal and published modifications).

Literature cited by the submitters: PubMed 33057194 (cited by Women's Health and Genetics/Laboratory Corporation of America, LabCorp).

NM_001374353.1(GLI2):c.1923C>T (p.Pro641=)

Gene: GLI2 (GLI family zinc finger 2; plus strand). Cytogenetic location: 2q14.2.
Variant type: single nucleotide variant.
Coding change: c.1923C>T on transcript NM_001374353.1 (MANE Select); coding-DNA position 1923, C replaced by T.
Protein change: p.Pro641=; no amino-acid change (proline 641 retained).
Molecular consequence: synonymous variant.
Genome position (GRCh38, 1-based): chr2:120,986,295, C>T. VCF-style: chr2-120986295-C-T. GRCh37 (hg19) VCF-style: chr2-121743871-C-T.
Other names: c.1974C>T, p.Pro658= (NM_001371271.1, NM_005270.5); c.1548C>T, p.Pro516= (NM_001374354.1).
Identifiers: ClinVar variation 3032588 (VCV003032588.3), dbSNP rs531891558, ClinGen allele CA1852086.